The following is an entry in ClinVar:

NM_015338.6(ASXL1):c.188A>G (p.Asn63Ser)

Gene: ASXL1 (ASXL transcriptional regulator 1; plus strand). Cytogenetic location: 20q11.21.
Variant type: single nucleotide variant.
Coding change: c.188A>G on transcript NM_015338.6 (MANE Select); coding-DNA position 188, A replaced by G.
Protein change: p.Asn63Ser; replaces asparagine 63 with serine.
Molecular consequence: missense variant.
Genome position (GRCh38, 1-based): chr20:32,369,059, A>G. VCF-style: chr20-32369059-A-G. GRCh37 (hg19) VCF-style: chr20-30956862-A-G.
Other names: c.188A>G, p.Asn63Ser (NM_001164603.1); c.158A>G, p.Asn53Ser (NM_001363734.1); short protein forms N63S, N53S.
Identifiers: ClinVar variation 4588057 (VCV004588057.1).

ClinVar aggregate classification (germline): Uncertain significance (1 of 4 stars; one submission).

Conditions:
Inborn genetic diseases. Identifiers: MedGen C0950123, MeSH D030342.

gnomAD v4.1: 1 of 1,614,068 alleles (0.000062%); highest among the groups gnomAD compares: Non-Finnish European, 0.000085%; no homozygotes.

Submission:

Ambry Genetics
Classification: Uncertain significance for Inborn genetic diseases. Last evaluated: 2025-10-23. Review status: criteria provided, single submitter. Criteria: Ambry Variant Classification Scheme 2023. Collection method: clinical testing. Allele origin: germline.
Comment: The p.N63S variant (also known as c.188A>G), located in coding exon 4 of the ASXL1 gene, results from an A to G substitution at nucleotide position 188. The asparagine at codon 63 is replaced by serine, an amino acid with highly similar properties. This amino acid position is conserved. In addition, this alteration is predicted to be tolerated by in silico analysis. Based on the available evidence, the clinical significance of this variant remains unclear.